The following is an entry in ClinVar:

ClinVar aggregate classification (germline): Pathogenic (1 of 4 stars; one submission).

Submission:

Quest Diagnostics Nichols Institute San Juan Capistrano
Classification: Pathogenic. Last evaluated: 2025-01-06. Review status: criteria provided, single submitter. Criteria: ACMG/ClinGen CNV Guidelines, 2019. Collection method: clinical testing. Allele origin: unknown.
Comment: This copy number gain involves numerous protein-coding genes. Similar duplications have been described in patients with variable clinical features (Al-Saffar 2000, Fievet 2013, Lurie 2014, Martinez-Juarez 2014, Micale 2016, Schwab 2004, Van Mater 2013). Thus, this copy number gain is classified as pathogenic. References: Al-Saffar et al., Am J Med Genet. 2000 Oct 23;94(5):428-32. PMID: 11050631 Fievet et al., Eur J Med Genet. 2013 Dec;56(12):643-7. PMID: 24161495. Lurie et al., Cytogenet Genome Res. 2014;144(1):28-30. PMID: 25322981. Martinez-Juarez et al., Cytogenet Genome Res. 2014;142(4):249-54. PMID: 24751616. Micale et al., Eur J Med Genet. 2016 Dec;59(12):618-623. PMID: 27794475. Schwab et al., Cancer Lett. 2004 Feb 20;204(2):179-87. PMID: 15013217. Van Mater et al., Am J Med Genet A. 2013 Mar;161A(3):605-10. PMID: 23401364.

GRCh37/hg19 2p25.3-23.1(chr2:12771-30565600)x3

Genes: ABHD1 (abhydrolase domain containing 1; plus strand), ACP1 (acid phosphatase 1; plus strand), ADAM17 (ADAM metallopeptidase domain 17; minus strand), ADCY3 (adenylate cyclase 3; minus strand), ADGRF3 (adhesion G protein-coupled receptor F3; minus strand) and 161 more. Cytogenetic location: 2p25.3-23.1.
Variant type: copy number gain.
Change: copy number 3 (three copies instead of two) of chr2:12,771-30,565,600 (30.55 Mb, GRCh37 coordinates, 1-based), cytogenetic band 2p25.3-23.1.
Identifiers: ClinVar variation 4682550 (VCV004682550.1).